The following is an entry in ClinVar:

NM_000747.3(CHRNB1):c.1072_1073del (p.Leu358fs)

Gene: CHRNB1 (cholinergic receptor nicotinic beta 1 subunit; plus strand). Cytogenetic location: 17p13.1.
Variant type: Deletion.
Coding change: c.1072_1073del on transcript NM_000747.3 (MANE Select); coding-DNA positions 1072 to 1073, 2 bases deleted (CT; older notation c.1072_1073delCT).
Protein change: p.Leu358fs; shifts the reading frame from leucine 358.
Molecular consequence: frameshift variant.
Genome position (GRCh38, 1-based): chr17:7,455,311-7,455,312, CT deleted. VCF-style (leftmost placement, unchanged base first): chr17-7455310-CCT-C. GRCh37 (hg19) VCF-style: chr17-7358629-CCT-C.
Other names: short protein forms L358fs.
Identifiers: ClinVar variation 2023085 (VCV002023085.4), dbSNP rs2507872027, ClinGen allele CA2580094965.

ClinVar aggregate classification (germline): Pathogenic (1 of 4 stars; one submission).

Conditions:
Congenital myasthenic syndrome 2A. Also called: Myasthenic syndrome, congenital, 2a, slow-channel. Identifiers: Orphanet 590, MedGen C4225374, MONDO:0014581, OMIM 616313.

Submission:

Labcorp Genetics (formerly Invitae), Labcorp
Classification: Pathogenic for Congenital myasthenic syndrome 2A. Last evaluated: 2022-08-09. Review status: criteria provided, single submitter. Criteria: Invitae Variant Classification Sherloc (09022015). Collection method: clinical testing. Allele origin: germline.
Comment: This variant is not present in population databases (gnomAD no frequency). This sequence change creates a premature translational stop signal (p.Leu358Alafs*31) in the CHRNB1 gene. It is expected to result in an absent or disrupted protein product. Loss-of-function variants in CHRNB1 are known to be pathogenic (PMID: 10562302). This variant has not been reported in the literature in individuals affected with CHRNB1-related conditions. For these reasons, this variant has been classified as Pathogenic.

Literature cited by the submitters: PubMed 10562302.